The following is an entry in ClinVar:

NM_018297.4(NGLY1):c.1788C>T (p.Gly596=)

Gene: NGLY1 (N-glycanase 1; minus strand). Cytogenetic location: 3p24.2.
Variant type: single nucleotide variant.
Coding change: c.1788C>T on transcript NM_018297.4 (MANE Select); coding-DNA position 1788, C replaced by T.
Protein change: p.Gly596=; no amino-acid change (glycine 596 retained).
Molecular consequence: synonymous variant. On other transcripts: intron variant (1).
Genome position (GRCh38, 1-based): chr3:25,720,015, G>A on the plus strand (C>T on the coding strand, the complement: NGLY1 is on the minus strand). VCF-style: chr3-25720015-G-A. GRCh37 (hg19) VCF-style: chr3-25761506-G-A.
Other names: c.1734C>T, p.Gly578= (NM_001145293.2); c.1662C>T, p.Gly554= (NM_001145294.2); c.1612-380C>T (NM_001145295.2).
Identifiers: ClinVar variation 861985 (VCV000861985.7), dbSNP rs775894258, ClinGen allele CA2289076.

ClinVar aggregate classification (germline): Uncertain significance (1 of 4 stars; one submission).

Conditions:
Congenital disorder of deglycosylation (CDDG). Identifiers: MedGen C3808991, MONDO:0031376.

Allele frequency attached by ClinVar (database versions not stated): ExAC 0.00001; gnomAD 0.00001; gnomAD exomes 0.00001 and 0.00002; TOPMed 0.00001.
gnomAD v4.1: 10 of 1,607,030 alleles (0.00062%); highest among the groups gnomAD compares: East Asian, 0.0045%; no homozygotes.

Submissions (2):

Labcorp Genetics (formerly Invitae), Labcorp
Classification: Uncertain significance for Congenital disorder of deglycosylation. Last evaluated: 2024-11-05. Review status: criteria provided, single submitter. Criteria: Invitae Variant Classification Sherloc (09022015). Collection method: clinical testing. Allele origin: germline.
Comment: This sequence change affects codon 596 of the NGLY1 mRNA. It is a 'silent' change, meaning that it does not change the encoded amino acid sequence of the NGLY1 protein. This variant is present in population databases (rs775894258, gnomAD 0.007%). This variant has not been reported in the literature in individuals affected with NGLY1-related conditions. ClinVar contains an entry for this variant (Variation ID: 861985). Algorithms developed to predict the effect of sequence changes on RNA splicing suggest that this variant may disrupt the consensus splice site. In summary, the available evidence is currently insufficient to determine the role of this variant in disease. Therefore, it has been classified as a Variant of Uncertain Significance.

Dr. Peter K. Rogan Lab, Western University
No classification provided (evidence only). Condition: Uterine corpus endometrial carcinoma. Review status: no classification provided. Collection method: in vitro. Allele origin: not applicable. Functional consequence: retained intron. Not counted in ClinVar's aggregate classification.